The following is an entry in ClinVar:

ClinVar aggregate classification (germline): Uncertain significance (1 of 4 stars; one submission).

Conditions:
Congenital myopathy 4B, autosomal recessive. Also called: Nemaline myopathy 1, autosomal dominant or recessive. Identifiers: Orphanet 171433, Orphanet 171439, Orphanet 171881, MedGen C5829889, MONDO:0012239, OMIM 609284.
Congenital myopathy with fiber type disproportion. Also called: Congenital fiber-type disproportion myopathy; Congenital fiber-type disproportion. Identifiers: Orphanet 2020, MedGen C0546264, MONDO:0009711. Inheritance: all.

Submission:

Labcorp Genetics (formerly Invitae), Labcorp
Classification: Uncertain significance for Congenital myopathy with fiber type disproportion; Congenital myopathy 4B, autosomal recessive. Last evaluated: 2024-03-22. Review status: criteria provided, single submitter. Criteria: Invitae Variant Classification Sherloc (09022015). Collection method: clinical testing. Allele origin: germline.
Comment: This sequence change replaces glutamic acid, which is acidic and polar, with lysine, which is basic and polar, at codon 97 of the TPM3 protein (p.Glu97Lys). This variant is not present in population databases (gnomAD no frequency). This variant has not been reported in the literature in individuals affected with TPM3-related conditions. Advanced modeling of protein sequence and biophysical properties (such as structural, functional, and spatial information, amino acid conservation, physicochemical variation, residue mobility, and thermodynamic stability) performed at Invitae indicates that this missense variant is expected to disrupt TPM3 protein function with a positive predictive value of 80%. In summary, the available evidence is currently insufficient to determine the role of this variant in disease. Therefore, it has been classified as a Variant of Uncertain Significance.

NM_152263.4(TPM3):c.289G>A (p.Glu97Lys)

Gene: TPM3 (tropomyosin 3; minus strand). Cytogenetic location: 1q21.3.
Variant type: single nucleotide variant.
Coding change: c.289G>A on transcript NM_152263.4 (MANE Select); coding-DNA position 289, G replaced by A.
Protein change: p.Glu97Lys; replaces glutamic acid 97 with lysine.
Molecular consequence: missense variant. On other transcripts: 5 prime UTR variant (1), non-coding transcript variant (1), intron variant (1).
Genome position (GRCh38, 1-based): chr1:154,176,203, C>T on the plus strand (G>A on the coding strand, the complement: TPM3 is on the minus strand). VCF-style: chr1-154176203-C-T. GRCh37 (hg19) VCF-style: chr1-154148679-C-T.
Other names: c.178G>A, p.Glu60Lys (NM_001043351.2, NM_001043352.2, NM_001043353.2 and 5 more transcripts); c.-93G>A (NM_001278191.2); c.289G>A, p.Glu97Lys (NM_001364679.2, NM_001364680.2, NM_001364681.2 and 1 more transcripts); c.69-3002G>A (NM_001278188.2); short protein forms E60K, E97K.
Identifiers: ClinVar variation 3755469 (VCV003755469.2).